The following is an entry in ClinVar:

NM_005445.4(SMC3):c.778C>T (p.Gln260Ter)

Gene: SMC3 (structural maintenance of chromosomes 3; plus strand). Cytogenetic location: 10q25.2.
Variant type: single nucleotide variant.
Coding change: c.778C>T on transcript NM_005445.4 (MANE Select); coding-DNA position 778, C replaced by T.
Protein change: p.Gln260Ter; replaces glutamine 260 with a stop codon.
Molecular consequence: nonsense.
Genome position (GRCh38, 1-based): chr10:110,582,616, C>T. VCF-style: chr10-110582616-C-T. GRCh37 (hg19) VCF-style: chr10-112342374-C-T.
Other names: short protein forms Q260*.
Identifiers: ClinVar variation 2633290 (VCV002633290.1), dbSNP rs2493114413, ClinGen allele CA378378169.

ClinVar aggregate classification (germline): Pathogenic (1 of 4 stars; one submission).

Conditions:
SMC3-related disorder. Also called: SMC3-related condition.

Submission:

PreventionGenetics, part of Exact Sciences
Classification: Pathogenic for SMC3-related condition. Last evaluated: 2023-05-22. Review status: criteria provided, single submitter. Criteria: ACMG Guidelines, 2015. Collection method: clinical testing. Allele origin: germline.
Comment: The SMC3 c.778C>T variant is predicted to result in premature protein termination (p.Gln260*). To our knowledge, this variant has not been reported in the literature or in a large population database, indicating this variant is rare. Nonsense variants in SMC3 are expected to be pathogenic. This variant is interpreted as pathogenic.